The following is an entry in ClinVar:

ClinVar aggregate classification (germline): Pathogenic (0 of 4 stars; one submission).

Conditions:
Autosomal recessive nonsyndromic hearing loss 93. Also called: Deafness, autosomal recessive 93. Identifiers: Orphanet 90636, MedGen C3888355, MONDO:0013963, OMIM 614899.

Allele frequency attached by ClinVar (database versions not stated): gnomAD 0.00001; gnomAD exomes 0.00001 and 0.00002; TOPMed 0.00002.

Submission:

Laboratory of Prof. Karen Avraham, Tel Aviv University
Classification: Pathogenic for Autosomal recessive nonsyndromic hearing loss 93. Last evaluated: 2019-07-06. Review status: no assertion criteria provided. Collection method: research. Allele origin: germline. Affected: yes. Observed: 2 variant alleles.
Comment: Recessive, compound heterozygous with NM_001318496.1: c.655(+1)G>T; congenital, variable SNHL

Literature cited by the submitters: DOI 10.1111/cge.13817.

NM_016366.3(CABP2):c.232G>A (p.Glu78Lys)

Gene: CABP2 (calcium binding protein 2; minus strand). Cytogenetic location: 11q13.2.
Variant type: single nucleotide variant.
Coding change: c.232G>A on transcript NM_016366.3 (MANE Select); coding-DNA position 232, G replaced by A.
Protein change: p.Glu78Lys; replaces glutamic acid 78 with lysine.
Molecular consequence: missense variant.
Genome position (GRCh38, 1-based): chr11:67,521,964, C>T on the plus strand (G>A on the coding strand, the complement: CABP2 is on the minus strand). VCF-style: chr11-67521964-C-T. GRCh37 (hg19) VCF-style: chr11-67289435-C-T.
Other names: c.250G>A, p.Glu84Lys (NM_001318496.2); short protein forms E84K, E78K.
Identifiers: ClinVar variation 917515 (VCV000917515.1), dbSNP rs1391730624, ClinGen allele CA381517292.